The following is an entry in ClinVar:

ClinVar aggregate classification (germline): Pathogenic/Likely pathogenic. Review status: criteria provided, multiple submitters, no conflicts (2 of 4 stars). 9 submissions from 9 submitters: Pathogenic (3); Likely pathogenic (4). 2 of the submissions do not count toward it. Last evaluated 2025-06-12.

Conditions:
Arthrogryposis multiplex congenita 6. Identifiers: MedGen C5543431, MONDO:0030281, OMIM 619334.
Nemaline myopathy 2 (NEM2). Also called: Nemaline myopathy 2, autosomal recessive. Identifiers: MedGen C1850569, MONDO:0009725, OMIM 256030.
Nemaline myopathy. Also called: Myopathies, Nemaline. Identifiers: Orphanet 607, MedGen C0206157, MONDO:0018958.

Allele frequency attached by ClinVar (database versions not stated): TOPMed below 0.00001; gnomAD 0.00001; ESP Exome Variant Server 0.00008.
gnomAD v4.1: 7 of 1,600,868 alleles (0.00044%); highest among the groups gnomAD compares: Admixed American, 0.0034%; no homozygotes.

Submissions (9):

Natera, Inc.
Classification: Likely pathogenic for Nemaline myopathy type 2. Last evaluated: 2025-06-12. Review status: criteria provided, single submitter. Criteria: Natera Variant Classification Schema (03/2026). Collection method: clinical testing. Allele origin: germline.
Comment: The c.19101+5G>A variant in NEB is an intronic variant located outside the canonical splice sites. This variant is rare in the general population with a frequency below the threshold expected for the associated phenotype(s). This variant has been observed in one or more individuals affected with the associated recessive disease, as either homozygous or compound heterozygous with a second variant (PMID: 23826317). Functional studies show that this variant may disrupt protein function (PMID: 23826317). Computational prediction algorithms indicate this variant is likely to affect gene or protein function. Given the available evidence, this variant is classified as Likely Pathogenic.

Broad Center for Mendelian Genomics, Broad Institute of MIT and Harvard
Classification: Likely pathogenic for Nemaline myopathy. Last evaluated: 2025-03-07. Review status: criteria provided, single submitter. Criteria: ACMG Guidelines, 2015. Collection method: curation. Allele origin: germline. Inheritance: Autosomal recessive inheritance.
Comment: The c.19101+5G>A variant in NEB has been identified in two individuals with arthrogryposis multiplex congenita or nemaline myopathy (PMID: 23826317, 31230720) and has been identified in 0.003% (2/58542) of Latino/Admixed American chromosomes by the Genome Aggregation Database (gnomAD; dbSNP ID: rs374929094). Although this variant has been seen in the general population in a heterozygous state, its frequency is low enough to be consistent with a recessive carrier frequency. This variant has also been reported in ClinVar (Variation ID: 557295) and has been interpreted as pathogenic/likely pathogenic by Lupski Lab (Baylor-Hopkins CMG, Baylor College of Medicine), Institut de G√©n√©tique et Biologie Mol√©culaire et Cellulaire, Invitae, Natera Inc., and Baylor Genetics, and as a variant of uncertain significance by Counsyl. Of the 2 affected individuals, one was a compound heterozygote that carried a reported pathogenic variant in trans, which increases the likelihood that the c.19101+5G>A variant is pathogenic (Variation ID: 449501; PMID: 31230720). cDNA analysis performed on affected tissue shows exon skipping of exon 122 (PMID:23826317). Exon 122 (NM_001164508.2) is in-frame with 105 nucleotides or 35 codons. This variant is located in the 5‚Äô splice region. Computational tools predict a splicing impact, though this information is not predictive enough to determine pathogenicity. This variant is adjacent to an in-frame exon and is more likely to escape nonsense mediated decay (NMD) and result in a truncated protein. In-frame exon skipping of the NEB gene is an established disease mechanism in autosomal recessive nemaline myopathy. The phenotype of an individual heterozygous for this variant is highly specific for nemaline myopathy based on the presence of nemaline rods on a muscle biopsy consistent with disease (PMID: 23826317). One additional likely pathogenic variant, predicted to induce the same splicing effect as this variant, has been reported in ClinVar as being associated with nemaline myopathy, supporting that the c.19101+5G>A may be pathogenic (Variation ID: 2010427). In summary, although additional studies are required to fully establish its clinical significance, this variant is likely pathogenic for autosomal recessive nemaline myopathy. ACMG/AMP Criteria applied: PVS1_moderate, PM3, PP4, PM2_supporting, PS1_supporting (Richards 2015).

Baylor Genetics
Classification: Likely pathogenic for Arthrogryposis multiplex congenita 6. Last evaluated: 2024-03-21. Review status: criteria provided, single submitter. Criteria: ACMG Guidelines, 2015. Collection method: clinical testing. Allele origin: unknown.

Muscle and Diseases Team, Institut de Génétique et Biologie Moléculaire et Cellulaire
Classification: Pathogenic for Nemaline myopathy. Last evaluated: 2024-03-01. Review status: criteria provided, single submitter. Criteria: ACMG Guidelines, 2015. Collection method: research. Allele origin: paternal. Affected: yes. Observed: 1 variant allele.
Comment: PS3+PM1+PM2+PM3+PP3+PP4

Labcorp Genetics (formerly Invitae), Labcorp
Classification: Pathogenic for Nemaline myopathy 2. Last evaluated: 2023-01-08. Review status: criteria provided, single submitter. Criteria: Invitae Variant Classification Sherloc (09022015). Collection method: clinical testing. Allele origin: germline.
Comment: Variants that disrupt the consensus splice site are a relatively common cause of aberrant splicing (PMID: 17576681, 9536098). Studies have shown that this variant results in skipping of 122, but is expected to preserve the integrity of the reading-frame (PMID: 23826317). ClinVar contains an entry for this variant (Variation ID: 557295). This variant has been observed in individual(s) with clinical features of nemaline myopathy (PMID: 23826317, 31230720; Invitae). In at least one individual the data is consistent with being in trans (on the opposite chromosome) from a pathogenic variant. The frequency data for this variant in the population databases is considered unreliable, as metrics indicate poor data quality at this position in the gnomAD database. This sequence change falls in intron 122 of the NEB gene. It does not directly change the encoded amino acid sequence of the NEB protein. RNA analysis indicates that this variant induces altered splicing and likely results in a shortened protein product. For these reasons, this variant has been classified as Pathogenic.

Juno Genomics, Hangzhou Juno Genomics, Inc
Classification: Likely pathogenic for Nemaline myopathy 2; Arthrogryposis multiplex congenita 6. Review status: criteria provided, single submitter. Criteria: ACMG Guidelines, 2015. Collection method: clinical testing. Allele origin: germline.
Comment: Absent from controls (or at extremely low frequency if recessive) in Genome Aggregation Database.;Null variant in a gene where loss of function (LOF) is a known mechanism of disease.;For recessive disorders, detected in trans with a pathogenic variant.;Patient's phenotype or family history is highly specific for a disease with a single genetic etiology.

Kariminejad - Najmabadi Pathology & Genetics Center
Classification: Pathogenic for Nemaline myopathy 2. Review status: criteria provided, single submitter. Criteria: ACMG Guidelines, 2015. Collection method: clinical testing. Allele origin: germline. Affected: no.

Counsyl
Classification: Uncertain significance for Nemaline myopathy 2. Last evaluated: 2018-03-20. Review status: no assertion criteria provided. Collection method: clinical testing. Allele origin: unknown. Not counted in ClinVar's aggregate classification.

Lupski Lab, Baylor-Hopkins CMG, Baylor College of Medicine
Classification: Pathogenic for Nemaline myopathy 2. Review status: no assertion criteria provided. Collection method: research. Allele origin: inherited. Inheritance: Autosomal recessive inheritance. Affected: yes. Observed: 3 variant alleles, 2 heterozygotes, 1 homozygote. Not counted in ClinVar's aggregate classification.

Literature cited by the submitters: PubMed 23826317 (cited by 4 submitters); DOI 10.1186/s13073-024-01353-0 (cited by Muscle and Diseases Team, Institut de Génétique et Biologie Moléculaire et Cellulaire); PubMed 25205138 (cited by Muscle and Diseases Team, Institut de Génétique et Biologie Moléculaire et Cellulaire); PubMed 24725366 (cited by Muscle and Diseases Team, Institut de Génétique et Biologie Moléculaire et Cellulaire); PubMed 17576681 (cited by Labcorp Genetics (formerly Invitae), Labcorp); PubMed 9536098 (cited by Labcorp Genetics (formerly Invitae), Labcorp); PubMed 31230720 (cited by Labcorp Genetics (formerly Invitae), Labcorp).

NM_001164508.2(NEB):c.19101+5G>A

Gene: NEB (nebulin; minus strand). Cytogenetic location: 2q23.3.
Variant type: single nucleotide variant.
Coding change: c.19101+5G>A on transcript NM_001164508.2 (MANE Select); 5 bases into the intron after coding-DNA position 19101, G replaced by A.
Molecular consequence: intron variant.
Genome position (GRCh38, 1-based): chr2:151,561,203, C>T on the plus strand (G>A on the coding strand, the complement: NEB is on the minus strand). VCF-style: chr2-151561203-C-T. GRCh37 (hg19) VCF-style: chr2-152417717-C-T.
Other names: c.13998+5G>A (NM_004543.5); c.19101+5G>A (NM_001164507.2, NM_001271208.2).
Identifiers: ClinVar variation 557295 (VCV000557295.24), dbSNP rs374929094, ClinGen allele CA1907770.